The following is an entry in ClinVar:

NM_177973.2(SULT2B1):c.446C>T (p.Pro149Leu)

Gene: SULT2B1 (sulfotransferase family 2B member 1; plus strand). Cytogenetic location: 19q13.33.
Variant type: single nucleotide variant.
Coding change: c.446C>T on transcript NM_177973.2 (MANE Select); coding-DNA position 446, C replaced by T.
Protein change: p.Pro149Leu; replaces proline 149 with leucine.
Molecular consequence: missense variant.
Genome position (GRCh38, 1-based): chr19:48,591,631, C>T. VCF-style: chr19-48591631-C-T. GRCh37 (hg19) VCF-style: chr19-49094888-C-T.
Other names: c.401C>T, p.Pro134Leu (NM_004605.2); short protein forms P149L, P134L.
Identifiers: ClinVar variation 426107 (VCV000426107.6), dbSNP rs1114167424, ClinGen allele CA406711619.

ClinVar aggregate classification (germline): Pathogenic. Review status: criteria provided, single submitter (1 of 4 stars). 2 submissions from 2 submitters: Pathogenic (1). 1 of the submissions does not count toward it. Last evaluated 2016-07-01.

Conditions:
Ichthyosis, congenital, autosomal recessive 14. Identifiers: MedGen C4539754, MONDO:0033091, OMIM 617571.
Autosomal recessive congenital ichthyosis 1 (LI1). Also called: LAMELLAR EXFOLIATION OF NEWBORN; ICHTHYOSIS, CONGENITAL, AUTOSOMAL RECESSIVE 1, WITH OR WITHOUT BATHING SUIT DISTRIBUTION; ICHTHYOSIS, CONGENITAL, AUTOSOMAL RECESSIVE 1, WITH BATHING SUIT DISTRIBUTION; COLLODION FETUS; DESQUAMATION OF NEWBORN; ICHTHYOSIS CONGENITA. Identifiers: MedGen C4551630, MONDO:0009441, OMIM 242300.

Submissions (2):

Institute for Human Genetics, University Medical Center Freiburg
Classification: Pathogenic for Autosomal recessive congenital ichthyosis 1. Last evaluated: 2016-07-01. Review status: criteria provided, single submitter. Criteria: Heinz et al. (Am J Hum Genet. 2017 ). Collection method: research. Allele origin: germline. Affected: yes. Observed: 3 variant alleles.
Comment: The ichthyosis showed sparing of several body regions such as the popliteal fossa, axilla, back and part of the soles, similar to individuals with X-linked ichthyosis (XLI; 308100).

OMIM
Classification: Pathogenic for ICHTHYOSIS, CONGENITAL, AUTOSOMAL RECESSIVE 14. Last evaluated: 2017-07-13. Review status: no assertion criteria provided. Collection method: literature only. Allele origin: germline. Not counted in ClinVar's aggregate classification.

Literature cited by the submitters: PubMed 28575648 (cited by OMIM).